The following is an entry in ClinVar:

NM_000101.4(CYBA):c.136G>A (p.Gly46Ser)

Gene: CYBA (cytochrome b-245 alpha chain; minus strand). Cytogenetic location: 16q24.2.
Variant type: single nucleotide variant.
Coding change: c.136G>A on transcript NM_000101.4 (MANE Select); coding-DNA position 136, G replaced by A.
Protein change: p.Gly46Ser; replaces glycine 46 with serine.
Molecular consequence: missense variant.
Genome position (GRCh38, 1-based): chr16:88,647,168, C>T on the plus strand (G>A on the coding strand, the complement: CYBA is on the minus strand). VCF-style: chr16-88647168-C-T. GRCh37 (hg19) VCF-style: chr16-88713576-C-T.
Other names: c.136G>A (NM_000101.3); short protein forms G46S.
Identifiers: ClinVar variation 2137857 (VCV002137857.4), dbSNP rs1373087091, ClinGen allele CA397065086.

ClinVar aggregate classification (germline): Conflicting classifications of pathogenicity. Review status: criteria provided, conflicting classifications (1 of 4 stars). 4 submissions from 4 submitters: Likely pathogenic (2); Uncertain significance (2). Last evaluated 2026-05-21.

Conditions:
CYBA-related disorder. Also called: CYBA-related condition.
Granulomatous disease, chronic, autosomal recessive, cytochrome b-negative. Also called: CGD DUE TO DEFICIENCY OF THE ALPHA SUBUNIT OF CYTOCHROME b; CGD, AUTOSOMAL RECESSIVE CYTOCHROME b-NEGATIVE; CYBA DEFICIENCY; GRANULOMATOUS DISEASE, CHRONIC, AUTOSOMAL RECESSIVE, 4; Chronic granulomatous disease, autosomal, due to deficiency of CYBA. Identifiers: Orphanet 379, MedGen C1856255, MONDO:0009308, OMIM 233690.
Chronic granulomatous disease. Identifiers: Orphanet 379, MedGen C0018203, MONDO:0018305.

Submissions (4):

Myriad Genetics, Inc.
Classification: Uncertain significance for Granulomatous disease, chronic, autosomal recessive, cytochrome b-negative. Last evaluated: 2026-05-21. Review status: criteria provided, single submitter. Criteria: Myriad Autosomal Dominant, Autosomal Recessive and X-Linked Classification Criteria (2023). Collection method: clinical testing. Allele origin: unknown.
Comment: NM_000101.3(CYBA):c.136G>A(G46S) is a missense variant classified as a variant of uncertain significance in the context of chronic granulomatous disease, CYBA-related. G46S has been observed in a case with relevant disease (PMID: 28941186). Relevant functional assessments of this variant are not available in the literature. G46S has not been observed in referenced population frequency databases. In summary, there is insufficient evidence to classify NM_000101.3(CYBA):c.136G>A(G46S) as pathogenic or benign. Please note: this variant was assessed in the context of healthy population screening.

Natera, Inc.
Classification: Likely pathogenic for Chronic granulomatous disease. Last evaluated: 2025-11-17. Review status: criteria provided, single submitter. Criteria: Natera Variant Classification Schema (03/2026). Collection method: clinical testing. Allele origin: germline.
Comment: The c.136G>A variant in CYBA is a missense variant predicted to cause substitution of glycine to serine at amino acid 46. This variant is rare in the general population with a frequency below the threshold expected for the associated phenotype(s). This variant has been observed in one or more individuals affected with the associated recessive disease, as either homozygous or compound heterozygous with a second variant (PMID: 28941186). Functional studies show that this variant may disrupt protein function (PMID: 28941186). Computational prediction algorithms indicate this variant is likely to affect gene or protein function. Given the available evidence, this variant is classified as Likely Pathogenic.

Labcorp Genetics (formerly Invitae), Labcorp
Classification: Uncertain significance for Granulomatous disease, chronic, autosomal recessive, cytochrome b-negative. Last evaluated: 2022-05-15. Review status: criteria provided, single submitter. Criteria: Invitae Variant Classification Sherloc (09022015). Collection method: clinical testing. Allele origin: germline.
Comment: This sequence change replaces glycine, which is neutral and non-polar, with serine, which is neutral and polar, at codon 46 of the CYBA protein (p.Gly46Ser). This variant is not present in population databases (gnomAD no frequency). This missense change has been observed in individual(s) with chronic granulomatous disease (PMID: 28941186). Algorithms developed to predict the effect of missense changes on protein structure and function are either unavailable or do not agree on the potential impact of this missense change (SIFT: "Tolerated"; PolyPhen-2: "Probably Damaging"; Align-GVGD: "Class C0"). In summary, the available evidence is currently insufficient to determine the role of this variant in disease. Therefore, it has been classified as a Variant of Uncertain Significance.

Blueprint Genetics
Classification: Likely pathogenic for CYBA-related disorders. Last evaluated: 2018-11-29. Review status: criteria provided, single submitter. Criteria: ACMG Guidelines, 2015. Collection method: clinical testing. Allele origin: germline. Affected: yes. Observed: 1 variant allele.

Literature cited by the submitters: PubMed 28941186 (cited by 3 submitters).